The following is an entry in ClinVar:

NM_001205293.3(CACNA1E):c.6454C>T (p.Pro2152Ser)

Gene: CACNA1E (calcium voltage-gated channel subunit alpha1 E; plus strand). Cytogenetic location: 1q25.3.
Variant type: single nucleotide variant.
Coding change: c.6454C>T on transcript NM_001205293.3 (MANE Select); coding-DNA position 6454, C replaced by T.
Protein change: p.Pro2152Ser; replaces proline 2152 with serine.
Molecular consequence: missense variant.
Genome position (GRCh38, 1-based): chr1:181,798,346, C>T. VCF-style: chr1-181798346-C-T. GRCh37 (hg19) VCF-style: chr1-181767482-C-T.
Other names: c.6325C>T, p.Pro2109Ser (NM_000721.4); c.6268C>T, p.Pro2090Ser (NM_001205294.2); short protein forms P2109S, P2152S, P2090S.
Identifiers: ClinVar variation 3633698 (VCV003633698.2).
Genomic context (GRCh38, chr1:181,798,346, plus strand): 5'-ATACAGGGCACAGGTTCCCTAAGTGAGAGCTCCATCCCCTCTGTCTCTGACACCAGCACC[C>T]CAAGAAGAAGTCGTCGGCAGCTCCCACCCGTCCCGCCAAAGCCCCGGCCCCTCCTTTCCT-3'
Protein context (NP_001192222.1, residues 2142-2162): SIPSVSDTST[Pro2152Ser]RRSRRQLPPV

ClinVar aggregate classification (germline): Uncertain significance (1 of 4 stars; one submission).

gnomAD v4.1: 1 of 1,610,184 alleles (0.000062%); highest among the groups gnomAD compares: Non-Finnish European, 0.000085%; no homozygotes.

Submission:

Labcorp Genetics (formerly Invitae), Labcorp
Classification: Uncertain significance. Last evaluated: 2024-05-29. Review status: criteria provided, single submitter. Criteria: Invitae Variant Classification Sherloc (09022015). Collection method: clinical testing. Allele origin: germline.
Comment: This sequence change replaces proline, which is neutral and non-polar, with serine, which is neutral and polar, at codon 2109 of the CACNA1E protein (p.Pro2109Ser). This variant is not present in population databases (gnomAD no frequency). This variant has not been reported in the literature in individuals affected with CACNA1E-related conditions. Advanced modeling of protein sequence and biophysical properties (such as structural, functional, and spatial information, amino acid conservation, physicochemical variation, residue mobility, and thermodynamic stability) has been performed at Invitae for this missense variant, however the output from this modeling did not meet the statistical confidence thresholds required to predict the impact of this variant on CACNA1E protein function. In summary, the available evidence is currently insufficient to determine the role of this variant in disease. Therefore, it has been classified as a Variant of Uncertain Significance.